The following is an entry in ClinVar:

ClinVar aggregate classification (germline): Conflicting classifications of pathogenicity. Review status: criteria provided, conflicting classifications (1 of 4 stars). 4 submissions from 4 submitters: Uncertain significance (3); Likely benign (1). Last evaluated 2025-12-08.

Conditions:
Hereditary cancer-predisposing syndrome. Also called: Neoplastic Syndromes, Hereditary; Hereditary neoplastic syndrome; Tumor predisposition; Hereditary Cancer Syndrome. Identifiers: Orphanet 140162, MedGen C0027672, MeSH D009386, MONDO:0015356.
Hereditary breast ovarian cancer syndrome. Also called: BRCA1- and BRCA2-Associated Hereditary Breast and Ovarian Cancer; Hereditary breast and ovarian cancer syndrome; Hereditary breast and ovarian cancer syndrome (HBOC); Hereditary breast and/or ovarian cancer syndrome; Hereditary breast and ovarian cancer; Breast and ovarian cancer. Identifiers: Orphanet 145, MedGen C0677776, MeSH D061325, MONDO:0003582. Disease mechanism: loss of function.
Breast-ovarian cancer, familial, susceptibility to, 2 (BROVCA2). Also called: BRCA2 Hereditary Breast and Ovarian Cancer. Identifiers: Orphanet 145, MedGen C2675520, MONDO:0012933, OMIM 612555. Disease mechanism: loss of function.

Submissions (4):

Dasa
Classification: Uncertain significance for Breast-ovarian cancer, familial, susceptibility to, 2. Last evaluated: 2025-12-08. Review status: criteria provided, single submitter. Criteria: DASA Assertion Criteria. Collection method: clinical testing. Allele origin: germline.
Comment: NM_000059.4(BRCA2):c.5139T>G (p.Asn1713Lys) is a missense variant that results in the substitution of asparagine with lysine. This variant is rare in population databases. The currently available literature and clinical evidence are not sufficient to establish a definitive association between this variant and the reported condition. Therefore, this variant is classified as a variant of uncertain significance.

Ambry Genetics
Classification: Uncertain significance for Hereditary cancer-predisposing syndrome. Last evaluated: 2024-05-25. Review status: criteria provided, single submitter. Criteria: Ambry Variant Classification Scheme 2023. Collection method: clinical testing. Allele origin: germline.
Comment: The p.N1713K variant (also known as c.5139T>G), located in coding exon 10 of the BRCA2 gene, results from a T to G substitution at nucleotide position 5139. The asparagine at codon 1713 is replaced by lysine, an amino acid with similar properties. This amino acid position is conserved. In addition, this alteration is predicted to be tolerated by in silico analysis. Based on the available evidence, the clinical significance of this variant remains unclear.

University of Washington Department of Laboratory Medicine, University of Washington
Classification: Likely benign for Hereditary cancer-predisposing syndrome. Last evaluated: 2023-03-23. Review status: criteria provided, single submitter. Criteria: Dines et al. (Genet Med. 2020). Collection method: curation. Allele origin: germline.
Comment: Missense variant in a coldspot region where missense variants are very unlikely to be pathogenic (PMID:31911673).

BRCA2 exon 11 coldspot. Reclassification based on statistical prior probability.

Labcorp Genetics (formerly Invitae), Labcorp
Classification: Uncertain significance for Hereditary breast ovarian cancer syndrome. Last evaluated: 2021-07-24. Review status: criteria provided, single submitter. Criteria: Invitae Variant Classification Sherloc (09022015). Collection method: clinical testing. Allele origin: germline.
Comment: In summary, the available evidence is currently insufficient to determine the role of this variant in disease. Therefore, it has been classified as a Variant of Uncertain Significance. Algorithms developed to predict the effect of sequence changes on RNA splicing suggest that this variant may create or strengthen a splice site. Advanced modeling of protein sequence and biophysical properties (such as structural, functional, and spatial information, amino acid conservation, physicochemical variation, residue mobility, and thermodynamic stability) performed at Invitae indicates that this missense variant is not expected to disrupt BRCA2 protein function. This variant has not been reported in the literature in individuals affected with BRCA2-related conditions. This variant is not present in population databases (ExAC no frequency). This sequence change replaces asparagine with lysine at codon 1713 of the BRCA2 protein (p.Asn1713Lys). The asparagine residue is moderately conserved and there is a moderate physicochemical difference between asparagine and lysine.

NM_000059.4(BRCA2):c.5139T>G (p.Asn1713Lys)

Gene: BRCA2 (BRCA2 DNA repair associated; plus strand). Cytogenetic location: 13q13.1.
Variant type: single nucleotide variant.
Coding change: c.5139T>G on transcript NM_000059.4 (MANE Select); coding-DNA position 5139, T replaced by G.
Protein change: p.Asn1713Lys; replaces asparagine 1713 with lysine.
Molecular consequence: missense variant.
Genome position (GRCh38, 1-based): chr13:32,339,494, T>G. VCF-style: chr13-32339494-T-G. GRCh37 (hg19) VCF-style: chr13-32913631-T-G.
Other names: c.5139T>G (NM_000059.3); short protein forms N1713K.
Identifiers: ClinVar variation 1477367 (VCV001477367.12), dbSNP rs2072521292, ClinGen allele CA387784193.